The following is an entry in ClinVar:

ClinVar aggregate classification (germline): Likely pathogenic (1 of 4 stars; one submission).

Conditions:
Schwartz-Jampel syndrome type 1 (SJS1). Also called: MYOTONIC MYOPATHY, DWARFISM, CHONDRODYSTROPHY, AND OCULAR AND FACIAL ABNORMALITIES; CHONDRODYSTROPHIC MYOTONIA. Identifiers: MedGen C4551479, MONDO:0100435, OMIM 255800.

Allele frequency attached by ClinVar (database versions not stated): gnomAD exomes below 0.00001; ExAC 0.00002; TOPMed 0.00004; gnomAD 0.00007; ESP Exome Variant Server 0.00008.
gnomAD v4.1: 16 of 1,612,274 alleles (0.00099%); highest among the groups gnomAD compares: African/African-American, 0.019%; no homozygotes.

Submission:

Women's Health and Genetics/Laboratory Corporation of America, LabCorp
Classification: Likely pathogenic for Schwartz-Jampel syndrome type 1. Last evaluated: 2023-09-07. Review status: criteria provided, single submitter. Criteria: LabCorp Variant Classification Summary - May 2015. Collection method: clinical testing. Allele origin: germline.
Comment: Variant summary: HSPG2 c.12900-2A>G is located in a canonical splice-site and is predicted to affect mRNA splicing resulting in a significantly altered protein due to either exon skipping, shortening, or inclusion of intronic material. Several computational tools predict a significant impact on normal splicing: Two predict the variant abolishes a 3' acceptor site. However, these predictions have yet to be confirmed by functional studies. The variant allele was found at a frequency of 1.2e-05 in 250372 control chromosomes. To our knowledge, no occurrence of c.12900-2A>G in individuals affected with Schwartz Jampel Syndrome Type 1 and no experimental evidence demonstrating its impact on protein function have been reported. No submitters have cited clinical-significance assessments for this variant to ClinVar after 2014. Based on the evidence outlined above, the variant was classified as likely pathogenic.

NM_005529.7(HSPG2):c.12900-2A>G

Genes: HSPG2 (heparan sulfate proteoglycan 2; minus strand), LDLRAD2 (low density lipoprotein receptor class A domain containing 2; plus strand). Cytogenetic location: 1p36.12.
Variant type: single nucleotide variant.
Coding change: c.12900-2A>G on transcript NM_005529.7 (MANE Select); the canonical splice acceptor site of the intron before coding-DNA position 12900, A replaced by G.
Molecular consequence: splice acceptor variant. On other transcripts: 3 prime UTR variant (1).
Genome position (GRCh38, 1-based): chr1:21,823,721, T>C on the plus strand (A>G on the coding strand, the complement: HSPG2 is on the minus strand). VCF-style: chr1-21823721-T-C. GRCh37 (hg19) VCF-style: chr1-22150214-T-C.
Other names: c.*1506T>C (NM_001013693.3); c.12903-2A>G (NM_001291860.2).
Identifiers: ClinVar variation 2627153 (VCV002627153.1), dbSNP rs111306515, ClinGen allele CA669217.